The following is an entry in ClinVar:

NM_004628.5(XPC):c.990+1G>A

Gene: XPC (XPC complex subunit, DNA damage recognition and repair factor; minus strand). Cytogenetic location: 3p25.1.
Variant type: single nucleotide variant.
Coding change: c.990+1G>A on transcript NM_004628.5 (MANE Select); the canonical splice donor site of the intron after coding-DNA position 990, G replaced by A.
Molecular consequence: splice donor variant.
Genome position (GRCh38, 1-based): chr3:14,159,740, C>T on the plus strand (G>A on the coding strand, the complement: XPC is on the minus strand). VCF-style: chr3-14159740-C-T. GRCh37 (hg19) VCF-style: chr3-14201240-C-T.
Other names: c.972+1G>A (NM_001354729.2); c.411+1G>A (NM_001354726.2); c.990+1G>A (NM_001354730.2, NM_001354727.2).
Identifiers: ClinVar variation 2734445 (VCV002734445.4), dbSNP rs2470264146, ClinGen allele CA351541333.
Genomic context (GRCh38, chr3:14,159,740, plus strand): 5'-TTTTAAGTGTGACAATTTCCTGTCAATTGCTCCTCTTCTCTGGCAGCCCTGCGCACCTCA[C>T]CTTTGCTGTTGCTGACTTCAGAGGAATTGGCTGTAGAGACAATACCAGCCGGGTCAAGAG-3'

ClinVar aggregate classification (germline): Pathogenic/Likely pathogenic. Review status: criteria provided, multiple submitters, no conflicts (2 of 4 stars). 2 submissions from 2 submitters: Pathogenic (1); Likely pathogenic (1). Last evaluated 2024-02-26.

Conditions:
Xeroderma pigmentosum, group C (XPC). Also called: Xeroderma pigmentosum, complementation group C; XPC-Related Xeroderma Pigmentosum; XERODERMA PIGMENTOSUM III; XP, GROUP C. Identifiers: Orphanet 910, MedGen C2752147, MONDO:0010211, OMIM 278720.

gnomAD v4.1: 1 of 1,559,964 alleles (0.000064%); highest among the groups gnomAD compares: Admixed American, 0.0019%; no homozygotes.

Submissions (2):

Baylor Genetics
Classification: Likely pathogenic for Xeroderma pigmentosum, group C. Last evaluated: 2024-02-26. Review status: criteria provided, single submitter. Criteria: ACMG Guidelines, 2015. Collection method: clinical testing. Allele origin: unknown.

Labcorp Genetics (formerly Invitae), Labcorp
Classification: Pathogenic. Last evaluated: 2023-10-28. Review status: criteria provided, single submitter. Criteria: Invitae Variant Classification Sherloc (09022015). Collection method: clinical testing. Allele origin: germline.
Comment: This sequence change affects a donor splice site in intron 8 of the XPC gene. It is expected to disrupt RNA splicing. Variants that disrupt the donor or acceptor splice site typically lead to a loss of protein function (PMID: 16199547), and loss-of-function variants in XPC are known to be pathogenic (PMID: 23173980, 25256075). This variant is not present in population databases (gnomAD no frequency). Disruption of this splice site has been observed in individual(s) with xeroderma pigmentosum (PMID: 27607234). In at least one individual the data is consistent with being in trans (on the opposite chromosome) from a pathogenic variant. Algorithms developed to predict the effect of sequence changes on RNA splicing suggest that this variant may disrupt the consensus splice site. For these reasons, this variant has been classified as Pathogenic.

Literature cited by the submitters: PubMed 16199547 (cited by Labcorp Genetics (formerly Invitae), Labcorp); PubMed 23173980 (cited by Labcorp Genetics (formerly Invitae), Labcorp); PubMed 25256075 (cited by Labcorp Genetics (formerly Invitae), Labcorp); PubMed 27607234 (cited by Labcorp Genetics (formerly Invitae), Labcorp).